The following is an entry in ClinVar:

NM_002835.4(PTPN12):c.420+7A>G

Gene: PTPN12 (protein tyrosine phosphatase non-receptor type 12; plus strand). Cytogenetic location: 7q11.23.
Variant type: single nucleotide variant.
Coding change: c.420+7A>G on transcript NM_002835.4 (MANE Select); 7 bases into the intron after coding-DNA position 420, A replaced by G.
Molecular consequence: intron variant.
Genome position (GRCh38, 1-based): chr7:77,585,588, A>G. VCF-style: chr7-77585588-A-G. GRCh37 (hg19) VCF-style: chr7-77214905-A-G.
Other names: c.63+7A>G (NM_001131008.2); c.30+7A>G (NM_001131009.2).
Identifiers: ClinVar variation 3030245 (VCV003030245.2), dbSNP rs780701558, ClinGen allele CA4311490.

ClinVar aggregate classification (germline): Likely benign (0 of 4 stars; one submission).

Conditions:
PTPN12-related disorder. Also called: PTPN12-related condition.

Allele frequency attached by ClinVar (database versions not stated): gnomAD 0.00003; gnomAD exomes 0.00003; TOPMed 0.00004; ExAC 0.00007.
gnomAD v4.1: 44 of 1,590,168 alleles (0.0028%); highest among the groups gnomAD compares: Admixed American, 0.0084%; no homozygotes.

Submission:

PreventionGenetics, part of Exact Sciences
Classification: Likely benign for PTPN12-related condition. Last evaluated: 2023-03-22. Review status: no assertion criteria provided. Collection method: clinical testing. Allele origin: germline.
Comment: This variant is classified as likely benign based on ACMG/AMP sequence variant interpretation guidelines (Richards et al. 2015 PMID: 25741868, with internal and published modifications).